The following is an entry in ClinVar:

NM_005359.6(SMAD4):c.1245_1248del (p.Asp415Glufs)

Gene: SMAD4 (SMAD family member 4; plus strand). Cytogenetic location: 18q21.2.
Variant type: Deletion.
Coding change: c.1245_1248del on transcript NM_005359.6 (MANE Select); coding-DNA positions 1245 to 1248, 4 bases deleted (CAGA; older notation c.1245_1248delCAGA).
Protein change: p.Asp415Glufs; shifts the reading frame from aspartic acid 415.
Molecular consequence: frameshift variant.
Genome position (GRCh38, 1-based): chr18:51,067,124-51,067,127, CAGA deleted; deleting any 4 consecutive bases within chr18:51,067,121-51,067,127 gives the same sequence; the c. name uses the placement nearest the transcript's 3' end. VCF-style (leftmost placement, unchanged base first): chr18-51067120-TAGAC-T. GRCh37 (hg19) VCF-style: chr18-48593490-TAGAC-T.
Other names: c.1245_1248delCAGA (NM_005359.5, NM_005359.6); c.1244_1247delACAG (NM_005359.5).
Identifiers: ClinVar variation 142253 (VCV000142253.63), dbSNP rs80338965, ClinGen allele CA259232.
Genomic context (GRCh38, chr18:51,067,120, plus strand): 5'-AAGGTGATGTTTGGGTCAGGTGCCTTAGTGACCACGCGGTCTTTGTACAGAGTTACTACT[TAGAC>T]AGAGAAGCTGGGCGTGCACCTGGAGATGCTGTTCATAAGATCTACCCAAGTGCATATATA-3'

ClinVar aggregate classification (germline): Pathogenic. Review status: criteria provided, multiple submitters, no conflicts (2 of 4 stars). 21 submissions from 20 submitters: Pathogenic (14). 7 of the submissions do not count toward it. Last evaluated 2025-12-15.

Conditions:
Hereditary cancer-predisposing syndrome. Also called: Neoplastic Syndromes, Hereditary; Hereditary Cancer Syndrome; Tumor predisposition; Hereditary neoplastic syndrome. Identifiers: Orphanet 140162, MedGen C0027672, MeSH D009386, MONDO:0015356.
Familial thoracic aortic aneurysm and aortic dissection (TAAD). Also called: Thoracic aortic aneurysms and dissections. Identifiers: Orphanet 91387, MedGen C4707243, MONDO:0019625.
Juvenile polyposis/hereditary hemorrhagic telangiectasia syndrome (JPHT). Also called: POLYPOSIS, GENERALIZED JUVENILE, WITH PULMONARY ARTERIOVENOUS MALFORMATION; TELANGIECTASIA, HEREDITARY HEMORRHAGIC, WITH JUVENILE POLYPOSIS COLI; Juvenile Polyposis Syndrome / Hereditary Hemorrhagic Telangiectasia (JPS/HHT); JP/HHT SYNDROME; JUVENILE POLYPOSIS WITH HEREDITARY HEMORRHAGIC TELANGIECTASIA. Identifiers: Orphanet 2929, MedGen C1832942, MONDO:0008278, OMIM 175050.
Carcinoma of pancreas. Also called: Pancreatic cancer, somatic; Pancreatic carcinoma, somatic; PANCREATIC ACINAR CARCINOMA; PANCREATIC CARCINOMA; Exocrine pancreatic carcinoma. Identifiers: Orphanet 1333, Orphanet 217074, MedGen C0235974, MONDO:0005192. Disease mechanism: loss of function.
Myhre syndrome (MYHRS). Also called: LARYNGOTRACHEAL STENOSIS, ARTHROPATHY, PROGNATHISM, AND SHORT STATURE; LAPS SYNDROME. Identifiers: Orphanet 2588, MedGen C0796081, MONDO:0007688, OMIM 139210.
Juvenile polyposis syndrome (JPS). Identifiers: Orphanet 2929, MedGen C0345893, MONDO:0017380, OMIM 174900.
SMAD4-related disorder. Also called: SMAD4-Related disorders; SMAD4-related condition.
Generalized juvenile polyposis/juvenile polyposis coli. Also called: Juvenile polyposis coli. Identifiers: Orphanet 329971, MedGen C1868081, MONDO:0008276.
Carcinoma of colon (CRC). Also called: Colonic carcinoma; Colon carcinoma. Identifiers: MedGen C0699790, MONDO:0002032.

Submissions 1 to 8 of 21:

Labcorp Genetics (formerly Invitae), Labcorp
Classification: Pathogenic for Juvenile polyposis syndrome. Last evaluated: 2025-12-15. Review status: criteria provided, single submitter. Criteria: Invitae Variant Classification Sherloc (09022015). Collection method: clinical testing. Allele origin: germline.
Comment: This sequence change creates a premature translational stop signal (p.Asp415Glufs*20) in the SMAD4 gene. It is expected to result in an absent or disrupted protein product. Loss-of-function variants in SMAD4 are known to be pathogenic (PMID: 16152648, 16436638, 22810475). This variant is not present in population databases (gnomAD no frequency). This premature translational stop signal has been observed in individual(s) with juvenile polyposis syndrome (JPS) (PMID: 9582123, 17873119, 18355998, 23239472, 23399955, 27375208). It has also been observed to segregate with disease in related individuals. Invitae Evidence Modeling of clinical and family history, age, sex, and reported ancestry of multiple individuals with this SMAD4 variant has been performed. This variant is expected to be pathogenic with a positive predictive value of at least 99%. This is a validated machine learning model that incorporates the clinical features of 35,205 individuals referred to our laboratory for SMAD4 testing. This variant is also known as 1244_7delACAG and as a 4-bp deletion between nucleotides 1372 and 1375. ClinVar contains an entry for this variant (Variation ID: 142253). For these reasons, this variant has been classified as Pathogenic.

Ambry Genetics
Classification: Pathogenic for Hereditary cancer-predisposing syndrome; Familial thoracic aortic aneurysm and aortic dissection. Last evaluated: 2025-05-09. Review status: criteria provided, single submitter. Criteria: Ambry Variant Classification Scheme 2023. Collection method: clinical testing. Allele origin: germline.
Comment: The c.1245_1248delCAGA (p.D415Efs*20) alteration, located in exon 10 (coding exon 9) of the SMAD4 gene, consists of a deletion of 4 nucleotides from position 1245 to 1248, causing a translational frameshift with a predicted alternate stop codon after 20 amino acids. This alteration is expected to result in loss of function by premature protein truncation or nonsense-mediated mRNA decay. This variant was not reported in population-based cohorts in the Genome Aggregation Database (gnomAD). This mutation has been reported in multiple individuals diagnosed with juvenile polyposis syndrome (JPS) (Aretz, 2007; Howe, 1998; Burmester, 2016), multiple individuals with mixed polyposis, 4 of 5 whom had predominately juvenile polyps (Ngeow, 2013), and in individuals diagnosed with JPS-hereditary hemorrhagic telangiectasia (JPS-HHT) (Teekakirikul, 2013; Heald, 2015). Of note, this alteration is also designated as 1244_7delACAG or 1372_1375del4 in published literature. A functional study showed this mutation leads to a 33% reduction in luciferase activity compared to wild-type, indicating that the mutation negatively impacted downstream bone morphogenetic protein (BMP) pathway signaling (Carr, 2012). Based on the available evidence, this alteration is classified as pathogenic.

Center for Genomic Medicine, Rigshospitalet, Copenhagen University Hospital
Classification: Pathogenic. Last evaluated: 2025-03-04. Review status: criteria provided, single submitter. Criteria: ACMG Guidelines, 2015. Collection method: clinical testing. Allele origin: germline.

Myriad Genetics, Inc.
Classification: Pathogenic for Juvenile polyposis/hereditary hemorrhagic telangiectasia syndrome. Last evaluated: 2024-02-09. Review status: criteria provided, single submitter. Criteria: Myriad Autosomal Dominant, Autosomal Recessive and X-Linked Classification Criteria (2023). Collection method: clinical testing. Allele origin: unknown.
Comment: This variant is considered pathogenic. This variant creates a frameshift predicted to result in premature protein truncation.

Revvity Omics, Revvity
Classification: Pathogenic. Last evaluated: 2023-09-27. Review status: criteria provided, single submitter. Criteria: ACMG Guidelines, 2015. Collection method: clinical testing. Allele origin: germline.

Quest Diagnostics Nichols Institute San Juan Capistrano
Classification: Pathogenic. Last evaluated: 2023-09-20. Review status: criteria provided, single submitter. Criteria: Quest Diagnostics criteria. Collection method: clinical testing. Allele origin: unknown.
Comment: This variant alters the translational reading frame of the SMAD4 mRNA and causes the premature termination of SMAD4 protein synthesis. In the published literature, this variant has been reported in multiple individuals with juvenile polyposis syndrome (JPS) (PMID: 33097490 (2021), 27375208 (2016), 23239472 (2013), 18355998 (2008), 17873119 (2007), 10398437 (1999), 9582123 (1998)). In a functional study, the variant reduced downstream bone morphogenic protein signaling in vitro (PMID: 22316667 (2012)). This variant has not been reported in large, multi-ethnic general populations (Genome Aggregation Database). Based on the available information, this variant is classified as pathogenic.

Blueprint Genetics
Classification: Pathogenic for SMAD4-related disorders. Last evaluated: 2023-01-12. Review status: criteria provided, single submitter. Criteria: ACMG Guidelines, 2015. Collection method: clinical testing. Allele origin: germline. Affected: yes. Observed: 1 variant allele.

GeneDx
Classification: Pathogenic. Last evaluated: 2022-08-23. Review status: criteria provided, single submitter. Criteria: GeneDx Variant Classification Process June 2021. Collection method: clinical testing. Allele origin: germline. Affected: yes.
Comment: Frameshift variant predicted to result in protein truncation or nonsense mediated decay in a gene for which loss-of-function is a known mechanism of disease; Published functional studies demonstrate a damaging effect: decreased BMP-mediated transcriptional activity (Carr et al., 2012); Observed in individuals with a personal or family history consistent with pathogenic variants in this gene referred for testing at GeneDx and in the published literature (Aretz et al.,2007; Calva-Cerqueira et al., 2009; Gallione et al., 2010; Ngeow et al., 2013; Teekakirikul et al., 2013; Bruceta et al., 2018; Inoguchi et al., 2019); Segregates with disease in many affected individuals from several families referred for genetic testing at GeneDx and in published literature (Howe et al., 1998; Piepoli et al., 2012; Burmester et al., 2016); Not observed at significant frequency in large population cohorts (gnomAD); Also known as 1244_1247delACAG, 1372_1375del4, and 1242_45delAGAC; This variant is associated with the following publications: (PMID: 15235019, 24506336, 16152648, 26681312, 20101697, 18355998, 25931195, 23239472, 9582123, 22748914, 23399955, 17873119, 18823382, 27375208, 28526081, 28944238, 28152038, 30210120, 29634562, 31447099, 33097490, 30787465, 27535533, 22316667, 26171675)